The following is an entry in ClinVar:

NM_004186.5(SEMA3F):c.1100G>A (p.Arg367Gln)

Gene: SEMA3F (semaphorin 3F; plus strand). Cytogenetic location: 3p21.31.
Variant type: single nucleotide variant.
Coding change: c.1100G>A on transcript NM_004186.5 (MANE Select); coding-DNA position 1100, G replaced by A.
Protein change: p.Arg367Gln; replaces arginine 367 with glutamine.
Molecular consequence: missense variant.
Genome position (GRCh38, 1-based): chr3:50,183,431, G>A. VCF-style: chr3-50183431-G-A. GRCh37 (hg19) VCF-style: chr3-50220864-G-A.
Other names: c.1100G>A (NM_004186.3); c.803G>A, p.Arg268Gln (NM_001318798.2); c.1007G>A, p.Arg336Gln (NM_001318800.2); short protein forms R268Q, R336Q, R367Q.
Identifiers: ClinVar variation 2636886 (VCV002636886.3), dbSNP rs1455414579, ClinGen allele CA352892034.

ClinVar aggregate classification (germline): Uncertain significance. Review status: criteria provided, multiple submitters, no conflicts (2 of 4 stars). 2 submissions from 2 submitters: Uncertain significance (2). Last evaluated 2026-03-04.

Conditions:
SEMA3F-related disorder. Also called: SEMA3F-related condition.

Allele frequency attached by ClinVar (database versions not stated): gnomAD 0.00001; TOPMed 0.00001.
gnomAD v4.1: 5 of 1,613,924 alleles (0.00031%); highest among the groups gnomAD compares: Non-Finnish European, 0.00042%; no homozygotes.

Submissions (2):

PreventionGenetics, part of Exact Sciences
Classification: Uncertain significance for SEMA3F-related condition. Last evaluated: 2026-03-04. Review status: criteria provided, single submitter. Criteria: ACMG Guidelines, 2015. Collection method: clinical testing. Allele origin: germline.
Comment: The SEMA3F c.1100G>A variant is predicted to result in the amino acid substitution p.Arg367Gln. To our knowledge, this variant has not been reported in the literature or in a large population database gnomAD indicating this variant is rare. At this time, the clinical significance of this variant is uncertain due to the absence of conclusive functional and genetic evidence.

Ambry Genetics
Classification: Uncertain significance. Last evaluated: 2025-03-18. Review status: criteria provided, single submitter. Criteria: Ambry Variant Classification Scheme 2023. Collection method: clinical testing. Allele origin: germline.